The following is an entry in ClinVar:

NM_000432.4(MYL2):c.382G>A (p.Glu128Lys)

Gene: MYL2 (myosin light chain 2; minus strand). Cytogenetic location: 12q24.11.
Variant type: single nucleotide variant.
Coding change: c.382G>A on transcript NM_000432.4 (MANE Select); coding-DNA position 382, G replaced by A.
Protein change: p.Glu128Lys; replaces glutamic acid 128 with lysine.
Molecular consequence: missense variant.
Genome position (GRCh38, 1-based): chr12:110,913,116, C>T on the plus strand (G>A on the coding strand, the complement: MYL2 is on the minus strand). VCF-style: chr12-110913116-C-T. GRCh37 (hg19) VCF-style: chr12-111350920-C-T.
Other names: c.340G>A, p.Glu114Lys (NM_001406745.1); c.325G>A, p.Glu109Lys (NM_001406916.1); short protein forms E109K, E114K, E128K.
Identifiers: ClinVar variation 3654782 (VCV003654782.2).
Genomic context (GRCh38, chr12:110,913,116, plus strand): 5'-AGGAGCTGGGTTAGAGGGAGTGCTTGAAGGACCCCATTACCTCCTCCTTGGAAAACCTCT[C>T]CGCCTGCGTGGTCAGCATTTCCCGAACGCTGCAGAGAAAGGAAAGCAGGTGTTGGTGTCA-3'
Protein context (NP_000423.2, residues 118-138): YVREMLTTQA[Glu128Lys]RFSKEEVDQM

ClinVar aggregate classification (germline): Uncertain significance (1 of 4 stars; one submission).

Conditions:
Hypertrophic cardiomyopathy 10. Also called: MYL2-Related Familial Hypertrophic Cardiomyopathy; CARDIOMYOPATHY, HYPERTROPHIC, MID-LEFT VENTRICULAR CHAMBER TYPE, 2. Identifiers: MedGen C1834460, MONDO:0012112, OMIM 608758.

Submission:

Labcorp Genetics (formerly Invitae), Labcorp
Classification: Uncertain significance for Hypertrophic cardiomyopathy 10. Last evaluated: 2025-11-21. Review status: criteria provided, single submitter. Criteria: Invitae Variant Classification Sherloc (09022015). Collection method: clinical testing. Allele origin: germline.
Comment: This sequence change replaces glutamic acid, which is acidic and polar, with lysine, which is basic and polar, at codon 128 of the MYL2 protein (p.Glu128Lys). This variant is not present in population databases (gnomAD no frequency). This variant has not been reported in the literature in individuals affected with MYL2-related conditions. ClinVar contains an entry for this variant (Variation ID: 3654782). An algorithm developed to predict the effect of missense changes on protein structure and function (PolyPhen-2) suggests that this variant is likely to be tolerated. In summary, the available evidence is currently insufficient to determine the role of this variant in disease. Therefore, it has been classified as a Variant of Uncertain Significance.